The following is an entry in ClinVar:

NM_018972.4(GDAP1):c.880G>A (p.Gly294Arg)

Gene: GDAP1 (ganglioside induced differentiation associated protein 1; plus strand). Cytogenetic location: 8q21.11.
Variant type: single nucleotide variant.
Coding change: c.880G>A on transcript NM_018972.4 (MANE Select); coding-DNA position 880, G replaced by A.
Protein change: p.Gly294Arg; replaces glycine 294 with arginine.
Molecular consequence: missense variant. On other transcripts: intron variant (1).
Genome position (GRCh38, 1-based): chr8:74,364,170, G>A. VCF-style: chr8-74364170-G-A. GRCh37 (hg19) VCF-style: chr8-75276405-G-A.
Other names: c.676G>A, p.Gly226Arg (NM_001040875.4); c.553G>A, p.Gly185Arg (NM_001362929.2, NM_001362932.2); c.706G>A, p.Gly236Arg (NM_001362930.2); c.694+1117G>A (NM_001362931.2); short protein forms G236R, G294R, G226R, G185R.
Identifiers: ClinVar variation 959222 (VCV000959222.11), dbSNP rs976792279, ClinGen allele CA179735449.

ClinVar aggregate classification (germline): Uncertain significance. Review status: criteria provided, multiple submitters, no conflicts (2 of 4 stars). 2 submissions from 2 submitters: Uncertain significance (2). Last evaluated 2024-10-24.

Conditions:
Charcot-Marie-Tooth disease type 4A. Also called: Charcot-Marie-Tooth disease, demyelinating, autosomal recessive, type 4a. Identifiers: Orphanet 99948, MedGen C1859198, MONDO:0008961, OMIM 214400.

Allele frequency attached by ClinVar (database versions not stated): gnomAD exomes below 0.00001; TOPMed below 0.00001.
gnomAD v4.1: 1 of 1,614,060 alleles (0.000062%); highest among the groups gnomAD compares: South Asian, 0.0011%; no homozygotes.

Submissions (2):

Labcorp Genetics (formerly Invitae), Labcorp
Classification: Uncertain significance for Charcot-Marie-Tooth disease type 4A. Last evaluated: 2024-10-24. Review status: criteria provided, single submitter. Criteria: Invitae Variant Classification Sherloc (09022015). Collection method: clinical testing. Allele origin: germline.
Comment: This sequence change replaces glycine, which is neutral and non-polar, with arginine, which is basic and polar, at codon 294 of the GDAP1 protein (p.Gly294Arg). This variant is not present in population databases (gnomAD no frequency). This variant has not been reported in the literature in individuals affected with GDAP1-related conditions. ClinVar contains an entry for this variant (Variation ID: 959222). Invitae Evidence Modeling of protein sequence and biophysical properties (such as structural, functional, and spatial information, amino acid conservation, physicochemical variation, residue mobility, and thermodynamic stability) indicates that this missense variant is not expected to disrupt GDAP1 protein function with a negative predictive value of 80%. In summary, the available evidence is currently insufficient to determine the role of this variant in disease. Therefore, it has been classified as a Variant of Uncertain Significance.

GeneDx
Classification: Uncertain significance. Last evaluated: 2019-07-03. Review status: criteria provided, single submitter. Criteria: GeneDx Variant Classification Process June 2021. Collection method: clinical testing. Allele origin: germline. Affected: yes.
Comment: Not observed in large population cohorts (Lek et al., 2016); In silico analysis, which includes protein predictors and evolutionary conservation, supports that this variant does not alter protein structure/function; Has not been previously published as pathogenic or benign to our knowledge